The following is an entry in ClinVar:

NM_001267550.2(TTN):c.55553A>G (p.Lys18518Arg)

Genes: TTN (titin; minus strand), TTN-AS1 (TTN antisense RNA 1; plus strand). Cytogenetic location: 2q31.2.
Variant type: single nucleotide variant.
Coding change: c.55553A>G on transcript NM_001267550.2 (MANE Select); coding-DNA position 55553, A replaced by G.
Protein change: p.Lys18518Arg; replaces lysine 18518 with arginine.
Molecular consequence: missense variant.
Genome position (GRCh38, 1-based): chr2:178,601,444, T>C on the plus strand (A>G on the coding strand, the complement: TTN is on the minus strand). VCF-style: chr2-178601444-T-C. GRCh37 (hg19) VCF-style: chr2-179466171-T-C.
Other names: p.K16877R:AAG>AGG; p.Lys16877Arg; c.50630A>G, p.Lys16877Arg (NM_001256850.1); c.28358A>G, p.Lys9453Arg (NM_003319.4); c.47849A>G, p.Lys15950Arg (NM_133378.4); c.28733A>G, p.Lys9578Arg (NM_133432.3); c.28934A>G, p.Lys9645Arg (NM_133437.4); short protein forms K18518R, K15950R, K16877R, K9645R, K9453R, K9578R.
Identifiers: ClinVar variation 47106 (VCV000047106.74), dbSNP rs72646823, ClinGen allele CA140022.

ClinVar aggregate classification (germline): Conflicting classifications of pathogenicity. Review status: criteria provided, conflicting classifications (1 of 4 stars). 21 submissions from 17 submitters: Uncertain significance (3); Benign (10); Likely benign (7). 1 of the submissions does not count toward it. Last evaluated 2026-09-01.

Conditions:
Dilated cardiomyopathy 1G (CMD1G). Identifiers: Orphanet 154, MedGen C1858763, MONDO:0011400, OMIM 604145.
Autosomal recessive limb-girdle muscular dystrophy type 2J (LGMDR10). Also called: MUSCULAR DYSTROPHY, LIMB-GIRDLE, AUTOSOMAL RECESSIVE 10; Limb-girdle muscular dystrophy, type 2J. Identifiers: Orphanet 140922, MedGen C1837342, MONDO:0012127, OMIM 608807.
Cardiovascular phenotype. Identifiers: MedGen CN230736.
TTN-related disorder. Also called: TTN-related disorders; TTN-related condition; TTN-related disease.
Cardiomyopathy (CMYO). Also called: Cardiomyopathies. Identifiers: Orphanet 167848, MedGen C0878544, MONDO:0004994, HP:0001638. Inheritance: Various modes of inheritance.
Early-onset myopathy with fatal cardiomyopathy (CMYO5). Also called: CONGENITAL MYOPATHY 5 WITH CARDIOMYOPATHY; Salih Myopathy. Identifiers: Orphanet 289377, MedGen C2673677, MONDO:0012714, OMIM 611705. Disease mechanism: loss of function.
Myopathy, myofibrillar, 9, with early respiratory failure (MFM9). Also called: Myopathy, distal, with early respiratory failure, autosomal dominant; Hereditary myopathy with early respiratory failure; MYOPATHY, PROXIMAL, WITH EARLY RESPIRATORY MUSCLE INVOLVEMENT; EDSTROM MYOPATHY. Identifiers: Orphanet 178464, Orphanet 34521, MedGen C1863599, MONDO:0011362, OMIM 603689.
Tibial muscular dystrophy (TMD). Also called: Udd Distal Myopathy – Tibial Muscular Dystrophy; Tibial muscular dystrophy, tardive; UDD MYOPATHY. Identifiers: Orphanet 609, MedGen C1838244, MONDO:0010870, OMIM 600334.

Allele frequency attached by ClinVar (database versions not stated): gnomAD exomes 0.00087 and 0.00162; ExAC 0.00137; ESP Exome Variant Server 0.00206; gnomAD 0.00251 and 0.00264; 1000 Genomes Project 30x 0.00265; TOPMed 0.00289; 1000 Genomes Project 0.00260.
gnomAD v4.1: 1,745 of 1,612,960 alleles (0.11%); highest among the groups gnomAD compares: Middle Eastern, 0.74%; 8 homozygotes.

Submissions (21):

CeGaT Center for Human Genetics Tuebingen
Classification: Benign. Last evaluated: 2026-09-01. Review status: criteria provided, single submitter. Criteria: CeGaT Center For Human Genetics Tuebingen Variant Classification Criteria Version 2. Collection method: clinical testing. Allele origin: germline. Affected: yes. Observed: 51 variant alleles.
Comment: TTN: BS1, BS2

Labcorp Genetics (formerly Invitae), Labcorp
Classification: Benign for Dilated cardiomyopathy 1G; Autosomal recessive limb-girdle muscular dystrophy type 2J. Last evaluated: 2026-02-03. Review status: criteria provided, single submitter. Criteria: Invitae Variant Classification Sherloc (09022015). Collection method: clinical testing. Allele origin: germline.

Molecular Diagnostic Laboratory for Inherited Cardiovascular Disease, Montreal Heart Institute
Classification: Likely benign. Last evaluated: 2025-04-09. Review status: criteria provided, single submitter. Criteria: ACMG Guidelines, 2015. Collection method: clinical testing. Allele origin: germline. Affected: no.

ARUP Laboratories, Molecular Genetics and Genomics, ARUP Laboratories
Classification: Likely benign. Last evaluated: 2025-03-27. Review status: criteria provided, single submitter. Criteria: ARUP Molecular Germline Variant Investigation Process 2024. Collection method: clinical testing. Allele origin: germline.

Blueprint Genetics
Classification: Likely benign. Last evaluated: 2024-11-26. Review status: criteria provided, single submitter. Criteria: ACMG Guidelines, 2015. Collection method: clinical testing. Allele origin: germline.

Mayo Clinic Laboratories, Mayo Clinic
Classification: Benign. Last evaluated: 2024-06-10. Review status: criteria provided, single submitter. Criteria: ACMG Guidelines, 2015. Collection method: clinical testing. Allele origin: germline. Observed: 6 variant alleles.
Comment: BS1, BS2

Women's Health and Genetics/Laboratory Corporation of America, LabCorp
Classification: Benign. Last evaluated: 2021-03-15. Review status: criteria provided, single submitter. Criteria: LabCorp Variant Classification Summary - May 2015. Collection method: clinical testing. Allele origin: germline.
Comment: Variant summary: TTN c.47849A>G (p.Lys15950Arg) results in a conservative amino acid change located in the A-band region of the encoded protein sequence. Three of five in-silico tools predict a benign effect of the variant on protein function. The variant allele was found at a frequency of 0.0025 in 150730 control chromosomes, including 2 homozygotes (gnomAD v 3.1, genomes dataset). The variant was predominantly reported within the African or African-American subpopulation at a frequency of 0.006. The observed variant frequency within African or African-American control individuals in the gnomAD database is approximately 10-fold of the estimated maximal expected allele frequency for a pathogenic variant in TTN causing Cardiomyopathy phenotype (0.00063), strongly suggesting that the variant is a benign polymorphism. c.47849A>G has been reported in the literature in individuals affected with various cardiac phenotypes, including dilated- and hypertrophic cardiomyopathy, and arrhythmias (e.g. Pugh_2014, Campuzano_2015, Sanchez_2016). These reports do not provide unequivocal conclusions about association of the variant with Cardiomyopathy. To our knowledge, no experimental evidence demonstrating an impact on protein function has been reported. Nine other clinical diagnostic laboratories have submitted clinical-significance assessments for this variant to ClinVar after 2014 without evidence for independent evaluation, and classified the variant as benign (n=6) / likely benign (n=2), or VUS (n=1). Based on the evidence outlined above, the variant was classified as benign.

CHEO Genetics Diagnostic Laboratory, Children's Hospital of Eastern Ontario
Classification: Benign for Cardiomyopathy. Last evaluated: 2019-03-13. Review status: criteria provided, single submitter. Criteria: ACMG Guidelines, 2015. Collection method: clinical testing. Allele origin: germline.

Illumina Laboratory Services, Illumina
Classification: Uncertain significance for Autosomal recessive limb-girdle muscular dystrophy type 2J. Last evaluated: 2018-01-13. Review status: criteria provided, single submitter. Criteria: ICSL Variant Classification Criteria 13 December 2019. Collection method: clinical testing. Allele origin: germline.

Illumina Laboratory Services, Illumina
Classification: Benign for Tibial muscular dystrophy. Last evaluated: 2018-01-13. Review status: criteria provided, single submitter. Criteria: ICSL Variant Classification Criteria 13 December 2019. Collection method: clinical testing. Allele origin: germline.
Comment: This variant was observed in the ICSL laboratory as part of a predisposition screen in an ostensibly healthy population. It had not been previously curated by ICSL or reported in the Human Gene Mutation Database (HGMD: prior to June 1st, 2018), and was therefore a candidate for classification through an automated scoring system. Utilizing variant allele frequency, disease prevalence and penetrance estimates, and inheritance mode, an automated score was calculated to assess if this variant is too frequent to cause the disease. Based on the score and internal cut-off values, a variant classified as benign is not then subjected to further curation. The score for this variant resulted in a classification of benign for this disease.

Illumina Laboratory Services, Illumina
Classification: Uncertain significance for Early-onset myopathy with fatal cardiomyopathy. Last evaluated: 2018-01-13. Review status: criteria provided, single submitter. Criteria: ICSL Variant Classification Criteria 13 December 2019. Collection method: clinical testing. Allele origin: germline.

Illumina Laboratory Services, Illumina
Classification: Uncertain significance for Dilated cardiomyopathy 1G. Last evaluated: 2018-01-13. Review status: criteria provided, single submitter. Criteria: ICSL Variant Classification Criteria 13 December 2019. Collection method: clinical testing. Allele origin: germline.

Illumina Laboratory Services, Illumina
Classification: Benign for Myopathy, myofibrillar, 9, with early respiratory failure. Last evaluated: 2018-01-13. Review status: criteria provided, single submitter. Criteria: ICSL Variant Classification Criteria 13 December 2019. Collection method: clinical testing. Allele origin: germline.
Comment: the same text as in the submission from Illumina Laboratory Services, Illumina above.

Laboratory for Molecular Medicine, Mass General Brigham Personalized Medicine
Classification: Benign. Last evaluated: 2017-12-08. Review status: criteria provided, single submitter. Criteria: LMM Criteria. Collection method: clinical testing. Allele origin: germline. Observed: 7 variant alleles.
Comment: Lys15950Arg in exon 236 of TTN: This variant is not expected to have clinical si gnificance because it has been identified in 1.8% (181/10138) of African chromo somes African chromosomes by the Genome Aggregation Database (gnomAD; dbSNP rs72646823) BA1

Athena Diagnostics
Classification: Benign. Last evaluated: 2017-03-15. Review status: criteria provided, single submitter. Criteria: Athena Diagnostics Criteria. Collection method: clinical testing. Allele origin: germline.

Eurofins Ntd Llc (ga)
Classification: Likely benign. Last evaluated: 2015-11-10. Review status: criteria provided, single submitter. Criteria: EGL Classification Definitions 2015. Collection method: clinical testing. Allele origin: germline. Observed: 1 variant allele, 1 heterozygote.

GeneDx
Classification: Benign. Last evaluated: 2015-08-27. Review status: criteria provided, single submitter. Criteria: GeneDx Variant Classification (06012015). Collection method: clinical testing. Allele origin: germline. Affected: yes.
Comment: This variant is considered likely benign or benign based on one or more of the following criteria: it is a conservative change, it occurs at a poorly conserved position in the protein, it is predicted to be benign by multiple in silico algorithms, and/or has population frequency not consistent with disease.

Genetic Services Laboratory, University of Chicago
Classification: Likely benign. Last evaluated: 2015-05-26. Review status: criteria provided, single submitter. Criteria: ACMG Guidelines, 2015. Collection method: clinical testing. Allele origin: germline.

Ambry Genetics
Classification: Likely benign for Cardiovascular phenotype. Last evaluated: 2013-10-18. Review status: criteria provided, single submitter. Criteria: Ambry Autosomal Dominant and X-Linked criteria (10/2015). Collection method: clinical testing. Allele origin: germline. Observed: 1 variant allele.

Biesecker Lab/Clinical Genomics Section, National Institutes of Health
Classification: Likely benign. Last evaluated: 2013-06-24. Review status: criteria provided, single submitter. Criteria: Ng et al. (Circ Cardiovasc Genet. 2013). Collection method: research. Allele origin: unknown. Observed: 4 variant alleles. Study: ClinSeq.
Comment: The study set was not selected for affection status in relation to any cancer. Pathogenicity categories were based on literature curation. See Pubmed ID:23861362 for details.

Medical sequencing

PreventionGenetics, part of Exact Sciences
Classification: Benign for TTN-related condition. Last evaluated: 2020-08-04. Review status: no assertion criteria provided. Collection method: clinical testing. Allele origin: germline. Not counted in ClinVar's aggregate classification.
Comment: This variant is classified as benign based on ACMG/AMP sequence variant interpretation guidelines (Richards et al. 2015 PMID: 25741868, with internal and published modifications).

Literature cited by the submitters: PubMed 24503780 (cited by Women's Health and Genetics/Laboratory Corporation of America, LabCorp); PubMed 27930701 (cited by Women's Health and Genetics/Laboratory Corporation of America, LabCorp); PubMed 26516846 (cited by Women's Health and Genetics/Laboratory Corporation of America, LabCorp).